The following is an entry in ClinVar:

ClinVar aggregate classification (germline): Uncertain significance (1 of 4 stars; one submission).

gnomAD v4.1: 1 of 1,614,184 alleles (0.000062%); highest among the groups gnomAD compares: Non-Finnish European, 0.000085%; no homozygotes.

Submission:

GeneDx
Classification: Uncertain significance. Last evaluated: 2019-07-09. Review status: criteria provided, single submitter. Criteria: GeneDx Variant Classification Process June 2021. Collection method: clinical testing. Allele origin: germline. Affected: yes.
Comment: Not observed in large population cohorts (Lek et al., 2016); In silico analysis, which includes protein predictors and evolutionary conservation, supports that this variant does not alter protein structure/function; Has not been previously published as pathogenic or benign to our knowledge

NM_006593.4(TBR1):c.337C>G (p.Pro113Ala)

Gene: TBR1 (T-box brain transcription factor 1; plus strand). Cytogenetic location: 2q24.2.
Variant type: single nucleotide variant.
Coding change: c.337C>G on transcript NM_006593.4 (MANE Select); coding-DNA position 337, C replaced by G.
Protein change: p.Pro113Ala; replaces proline 113 with alanine.
Molecular consequence: missense variant.
Genome position (GRCh38, 1-based): chr2:161,416,747, C>G. VCF-style: chr2-161416747-C-G. GRCh37 (hg19) VCF-style: chr2-162273258-C-G.
Other names: short protein forms P113A.
Identifiers: ClinVar variation 1302196 (VCV001302196.2), dbSNP rs2105278332, ClinGen allele CA349211176.